The following is an entry in ClinVar:

NM_014714.4(IFT140):c.190G>C (p.Val64Leu)

Genes: IFT140 (intraflagellar transport 140; minus strand), LOC105371046 (uncharacterized LOC105371046; plus strand). Cytogenetic location: 16p13.3.
Variant type: single nucleotide variant.
Coding change: c.190G>C on transcript NM_014714.4 (MANE Select); coding-DNA position 190, G replaced by C.
Protein change: p.Val64Leu; replaces valine 64 with leucine.
Molecular consequence: missense variant.
Genome position (GRCh38, 1-based): chr16:1,602,549, C>G on the plus strand (G>C on the coding strand, the complement: IFT140 is on the minus strand). VCF-style: chr16-1602549-C-G. GRCh37 (hg19) VCF-style: chr16-1652550-C-G.
Other names: short protein forms V64L.
Identifiers: ClinVar variation 3000534 (VCV003000534.3), dbSNP rs146293046, ClinGen allele CA7814782.

ClinVar aggregate classification (germline): Uncertain significance (1 of 4 stars; one submission).

Conditions:
Saldino-Mainzer syndrome (SRTD9). Also called: SHORT-RIB THORACIC DYSPLASIA 9 WITHOUT POLYDACTYLY; short-rib thoracic dysplasia 9 with or without polydactyly; CONORENAL SYNDROME; Renal dysplasia, retinal pigmentary dystrophy, cerebellar ataxia and skeletal dysplasia. Identifiers: Orphanet 140969, MedGen C1849437, MONDO:0009964, OMIM 266920.

Allele frequency attached by ClinVar (database versions not stated): gnomAD exomes below 0.00001; TOPMed below 0.00001; ESP Exome Variant Server 0.00008; gnomAD 0.00001; ExAC 0.00002.
gnomAD v4.1: 4 of 1,613,804 alleles (0.00025%); highest among the groups gnomAD compares: African/African-American, 0.0027%; no homozygotes.

Submission:

Labcorp Genetics (formerly Invitae), Labcorp
Classification: Uncertain significance for Saldino-Mainzer syndrome. Last evaluated: 2023-09-11. Review status: criteria provided, single submitter. Criteria: Invitae Variant Classification Sherloc (09022015). Collection method: clinical testing. Allele origin: germline.
Comment: This sequence change replaces valine, which is neutral and non-polar, with leucine, which is neutral and non-polar, at codon 64 of the IFT140 protein (p.Val64Leu). This variant is present in population databases (rs146293046, gnomAD 0.0009%). This variant has not been reported in the literature in individuals affected with IFT140-related conditions. Advanced modeling of protein sequence and biophysical properties (such as structural, functional, and spatial information, amino acid conservation, physicochemical variation, residue mobility, and thermodynamic stability) performed at Invitae indicates that this missense variant is not expected to disrupt IFT140 protein function. In summary, the available evidence is currently insufficient to determine the role of this variant in disease. Therefore, it has been classified as a Variant of Uncertain Significance.